The following is an entry in ClinVar:

NM_177973.2(SULT2B1):c.939G>A (p.Pro313=)

Gene: SULT2B1 (sulfotransferase family 2B member 1; plus strand). Cytogenetic location: 19q13.33.
Variant type: single nucleotide variant.
Coding change: c.939G>A on transcript NM_177973.2 (MANE Select); coding-DNA position 939, G replaced by A.
Protein change: p.Pro313=; no amino-acid change (proline 313 retained).
Molecular consequence: synonymous variant.
Genome position (GRCh38, 1-based): chr19:48,599,247, G>A. VCF-style: chr19-48599247-G-A. GRCh37 (hg19) VCF-style: chr19-49102504-G-A.
Other names: c.894G>A, p.Pro298= (NM_004605.2).
Identifiers: ClinVar variation 2178014 (VCV002178014.11), dbSNP rs527488941, ClinGen allele CA9553275.

ClinVar aggregate classification (germline): Likely benign. Review status: criteria provided, multiple submitters, no conflicts (2 of 4 stars). 2 submissions from 2 submitters: Likely benign (2). Last evaluated 2025-09-01.

Allele frequency attached by ClinVar (database versions not stated): ExAC 0.00003; gnomAD 0.00009; TOPMed 0.00014; 1000 Genomes Project 0.00020; 1000 Genomes Project 30x 0.00062.
gnomAD v4.1: 43 of 1,610,068 alleles (0.0027%); highest among the groups gnomAD compares: Admixed American, 0.052%; no homozygotes.

Submissions (2):

CeGaT Center for Human Genetics Tuebingen
Classification: Likely benign. Last evaluated: 2025-09-01. Review status: criteria provided, single submitter. Criteria: CeGaT Center For Human Genetics Tuebingen Variant Classification Criteria Version 2. Collection method: clinical testing. Allele origin: germline. Affected: yes. Observed: 1 variant allele.
Comment: SULT2B1: BP4, BP7

Labcorp Genetics (formerly Invitae), Labcorp
Classification: Likely benign. Last evaluated: 2024-08-20. Review status: criteria provided, single submitter. Criteria: Invitae Variant Classification Sherloc (09022015). Collection method: clinical testing. Allele origin: germline.